The following is an entry in ClinVar:

NM_003265.3(TLR3):c.2161C>T (p.Leu721Phe)

Gene: TLR3 (toll like receptor 3; plus strand). Cytogenetic location: 4q35.1.
Variant type: single nucleotide variant.
Coding change: c.2161C>T on transcript NM_003265.3 (MANE Select); coding-DNA position 2161, C replaced by T.
Protein change: p.Leu721Phe; replaces leucine 721 with phenylalanine.
Molecular consequence: missense variant.
Genome position (GRCh38, 1-based): chr4:186,083,847, C>T. VCF-style: chr4-186083847-C-T. GRCh37 (hg19) VCF-style: chr4-187005001-C-T.
Other names: short protein forms L721F.
Identifiers: ClinVar variation 4768039 (VCV004768039.1).

ClinVar aggregate classification (germline): Uncertain significance (1 of 4 stars; one submission).

Conditions:
Encephalopathy, acute, infection-induced (herpes-specific), susceptibility to, 1. Also called: Herpes simplex encephalitis, susceptibility to, 1. Identifiers: Orphanet 1930, MedGen C2750180, MONDO:0024563, OMIM 610551.

Submission:

Labcorp Genetics (formerly Invitae), Labcorp
Classification: Uncertain significance for Encephalopathy, acute, infection-induced (herpes-specific), susceptibility to, 1. Last evaluated: 2025-07-20. Review status: criteria provided, single submitter. Criteria: Invitae Variant Classification Sherloc (09022015). Collection method: clinical testing. Allele origin: germline.
Comment: This sequence change replaces leucine, which is neutral and non-polar, with phenylalanine, which is neutral and non-polar, at codon 721 of the TLR3 protein (p.Leu721Phe). This variant is not present in population databases (gnomAD no frequency). This variant has not been reported in the literature in individuals affected with TLR3-related conditions. An algorithm developed to predict the effect of missense changes on protein structure and function (PolyPhen-2) suggests that this variant is likely to be tolerated. In summary, the available evidence is currently insufficient to determine the role of this variant in disease. Therefore, it has been classified as a Variant of Uncertain Significance.